The following is an entry in ClinVar:

ClinVar aggregate classification (germline): Conflicting classifications of pathogenicity. Review status: criteria provided, conflicting classifications (1 of 4 stars). 5 submissions from 5 submitters: Uncertain significance (1); Likely benign (4). Last evaluated 2026-03-01.

Conditions:
Dyskeratosis congenita. Identifiers: Orphanet 1775, MedGen C0265965, MONDO:0015780.

Allele frequency attached by ClinVar (database versions not stated): TOPMed 0.00001; gnomAD exomes 0.00003 and 0.00006; ExAC 0.00006; 1000 Genomes Project 30x 0.00016; 1000 Genomes Project 0.00020.
gnomAD v4.1: 47 of 1,613,304 alleles (0.0029%); highest among the groups gnomAD compares: East Asian, 0.062%; no homozygotes.

Submissions (5):

CeGaT Center for Human Genetics Tuebingen
Classification: Likely benign. Last evaluated: 2026-03-01. Review status: criteria provided, single submitter. Criteria: CeGaT Center For Human Genetics Tuebingen Variant Classification Criteria Version 2. Collection method: clinical testing. Allele origin: germline. Affected: yes. Observed: 1 variant allele.
Comment: CTC1: BP4, BP7

Labcorp Genetics (formerly Invitae), Labcorp
Classification: Likely benign for Dyskeratosis congenita. Last evaluated: 2025-08-11. Review status: criteria provided, single submitter. Criteria: Invitae Variant Classification Sherloc (09022015). Collection method: clinical testing. Allele origin: germline.

Blueprint Genetics
Classification: Likely benign. Last evaluated: 2024-03-27. Review status: criteria provided, single submitter. Criteria: ACMG Guidelines, 2015. Collection method: clinical testing. Allele origin: germline.

Genetic Services Laboratory, University of Chicago
Classification: Likely benign. Last evaluated: 2018-03-21. Review status: criteria provided, single submitter. Criteria: ACMG Guidelines, 2015. Collection method: clinical testing. Allele origin: germline. Affected: no.

Illumina Laboratory Services, Illumina
Classification: Uncertain significance for Dyskeratosis congenita. Last evaluated: 2018-01-13. Review status: criteria provided, single submitter. Criteria: ICSL Variant Classification Criteria 13 December 2019. Collection method: clinical testing. Allele origin: germline.

NM_025099.6(CTC1):c.2472C>T (p.Pro824=)

Gene: CTC1 (CST telomere replication complex component 1; minus strand). Cytogenetic location: 17p13.1.
Variant type: single nucleotide variant.
Coding change: c.2472C>T on transcript NM_025099.6 (MANE Select); coding-DNA position 2472, C replaced by T.
Protein change: p.Pro824=; no amino-acid change (proline 824 retained).
Molecular consequence: synonymous variant. On other transcripts: non-coding transcript variant (1).
Genome position (GRCh38, 1-based): chr17:8,231,729, G>A on the plus strand (C>T on the coding strand, the complement: CTC1 is on the minus strand). VCF-style: chr17-8231729-G-A. GRCh37 (hg19) VCF-style: chr17-8135047-G-A.
Identifiers: ClinVar variation 891173 (VCV000891173.19), dbSNP rs558802130, ClinGen allele CA8372073.